The following is an entry in ClinVar:

NM_002204.4(ITGA3):c.837C>T (p.Gly279=)

Gene: ITGA3 (integrin subunit alpha 3; plus strand). Cytogenetic location: 17q21.33.
Variant type: single nucleotide variant.
Coding change: c.837C>T on transcript NM_002204.4 (MANE Select); coding-DNA position 837, C replaced by T.
Protein change: p.Gly279=; no amino-acid change (glycine 279 retained).
Molecular consequence: synonymous variant.
Genome position (GRCh38, 1-based): chr17:50,071,396, C>T. VCF-style: chr17-50071396-C-T. GRCh37 (hg19) VCF-style: chr17-48148760-C-T.
Other names: c.837C>T (NM_002204.3).
Identifiers: ClinVar variation 2043808 (VCV002043808.30), dbSNP rs145459787, ClinGen allele CA8641357.

ClinVar aggregate classification (germline): Benign/Likely benign. Review status: criteria provided, multiple submitters, no conflicts (2 of 4 stars). 4 submissions from 4 submitters: Benign (1); Likely benign (2). 1 of the submissions does not count toward it. Last evaluated 2025-11-10.

Conditions:
ITGA3-related disorder. Also called: ITGA3-related condition.

Allele frequency attached by ClinVar (database versions not stated): gnomAD exomes 0.00011; ExAC 0.00027; 1000 Genomes Project 30x 0.00094; TOPMed 0.00104; 1000 Genomes Project 0.00120; gnomAD 0.00121; ESP Exome Variant Server 0.00123.
gnomAD v4.1: 342 of 1,614,190 alleles (0.021%); highest among the groups gnomAD compares: African/African-American, 0.41%; 1 homozygote.

Submissions (4):

Labcorp Genetics (formerly Invitae), Labcorp
Classification: Benign. Last evaluated: 2025-11-10. Review status: criteria provided, single submitter. Criteria: Invitae Variant Classification Sherloc (09022015). Collection method: clinical testing. Allele origin: germline.

Blueprint Genetics
Classification: Likely benign. Last evaluated: 2024-08-28. Review status: criteria provided, single submitter. Criteria: ACMG Guidelines, 2015. Collection method: clinical testing. Allele origin: germline.

CeGaT Center for Human Genetics Tuebingen
Classification: Likely benign. Last evaluated: 2023-09-01. Review status: criteria provided, single submitter. Criteria: CeGaT Center For Human Genetics Tuebingen Variant Classification Criteria Version 2. Collection method: clinical testing. Allele origin: germline. Affected: yes. Observed: 1 variant allele.
Comment: ITGA3: BP4, BP7

PreventionGenetics, part of Exact Sciences
Classification: Likely benign for ITGA3-related condition. Last evaluated: 2020-05-21. Review status: no assertion criteria provided. Collection method: clinical testing. Allele origin: germline. Not counted in ClinVar's aggregate classification.
Comment: This variant is classified as likely benign based on ACMG/AMP sequence variant interpretation guidelines (Richards et al. 2015 PMID: 25741868, with internal and published modifications).